The following is an entry in ClinVar:

NM_005585.5(SMAD6):c.1198G>T (p.Val400Leu)

Gene: SMAD6 (SMAD family member 6; plus strand). Cytogenetic location: 15q22.31.
Variant type: single nucleotide variant.
Coding change: c.1198G>T on transcript NM_005585.5 (MANE Select); coding-DNA position 1198, G replaced by T.
Protein change: p.Val400Leu; replaces valine 400 with leucine.
Molecular consequence: missense variant. On other transcripts: non-coding transcript variant (1).
Genome position (GRCh38, 1-based): chr15:66,781,242, G>T. VCF-style: chr15-66781242-G-T. GRCh37 (hg19) VCF-style: chr15-67073580-G-T.
Other names: short protein forms V400L.
Identifiers: ClinVar variation 2983675 (VCV002983675.3), dbSNP rs762357095, ClinGen allele CA393202068.

ClinVar aggregate classification (germline): Uncertain significance (1 of 4 stars; one submission).

Conditions:
Aortic valve disease 2 (AOVD2). Identifiers: MedGen C3542024, MONDO:0013902, OMIM 614823.

gnomAD v4.1: 2 of 1,608,678 alleles (0.00012%); highest among the groups gnomAD compares: African/African-American, 0.0013%; no homozygotes.

Submission:

Labcorp Genetics (formerly Invitae), Labcorp
Classification: Uncertain significance for Aortic valve disease 2. Last evaluated: 2023-08-17. Review status: criteria provided, single submitter. Criteria: Invitae Variant Classification Sherloc (09022015). Collection method: clinical testing. Allele origin: germline.
Comment: This sequence change replaces valine, which is neutral and non-polar, with leucine, which is neutral and non-polar, at codon 400 of the SMAD6 protein (p.Val400Leu). The frequency data for this variant in the population databases is considered unreliable, as metrics indicate poor data quality at this position in the gnomAD database. This variant has not been reported in the literature in individuals affected with SMAD6-related conditions. Advanced modeling of protein sequence and biophysical properties (such as structural, functional, and spatial information, amino acid conservation, physicochemical variation, residue mobility, and thermodynamic stability) has been performed at Invitae for this missense variant, however the output from this modeling did not meet the statistical confidence thresholds required to predict the impact of this variant on SMAD6 protein function. In summary, the available evidence is currently insufficient to determine the role of this variant in disease. Therefore, it has been classified as a Variant of Uncertain Significance.